The following is an entry in ClinVar:

ClinVar aggregate classification (germline): Uncertain significance (1 of 4 stars; one submission).

Conditions:
Inborn genetic diseases. Identifiers: MedGen C0950123, MeSH D030342.

Submission:

Ambry Genetics
Classification: Uncertain significance for Inborn genetic diseases. Last evaluated: 2025-01-31. Review status: criteria provided, single submitter. Criteria: Ambry Variant Classification Scheme 2023. Collection method: clinical testing. Allele origin: germline.
Comment: The p.D330Y variant (also known as c.988G>T), located in coding exon 11 of the RTEL1 gene, results from a G to T substitution at nucleotide position 988. The aspartic acid at codon 330 is replaced by tyrosine, an amino acid with highly dissimilar properties. This amino acid position is conserved. In addition, this alteration is predicted to be deleterious by in silico analysis. Based on the available evidence, the clinical significance of this variant remains unclear.

NM_001283009.2(RTEL1):c.988G>T (p.Asp330Tyr)

Genes: RTEL1 (regulator of telomere elongation helicase 1; plus strand), RTEL1-TNFRSF6B (RTEL1-TNFRSF6B readthrough (NMD candidate); plus strand). Cytogenetic location: 20q13.33.
Variant type: single nucleotide variant.
Coding change: c.988G>T on transcript NM_001283009.2 (MANE Select); coding-DNA position 988, G replaced by T.
Protein change: p.Asp330Tyr; replaces aspartic acid 330 with tyrosine.
Molecular consequence: missense variant. On other transcripts: non-coding transcript variant (1).
Genome position (GRCh38, 1-based): chr20:63,678,297, G>T. VCF-style: chr20-63678297-G-T. GRCh37 (hg19) VCF-style: chr20-62309650-G-T.
Other names: c.319G>T, p.Asp107Tyr (NM_001283010.1); c.988G>T, p.Asp330Tyr (NM_016434.4); c.1060G>T, p.Asp354Tyr (NM_032957.5); short protein forms D107Y, D354Y, D330Y.
Identifiers: ClinVar variation 3791107 (VCV003791107.1).